The following is an entry in ClinVar:

ClinVar aggregate classification (germline): Uncertain significance (1 of 4 stars; one submission).
ClinVar aggregate classification (somatic clinical impact): Tier I - Strong (1 of 4 stars; one submission).

Conditions:
EGFR-related lung cancer (EGFR). Identifiers: MedGen CN130014.
Diffuse pediatric-type high-grade glioma, H3-wildtype and IDH-wildtype. Identifiers: MedGen C5669918, MONDO:0858939.

Submissions (2):

Labcorp Genetics (formerly Invitae), Labcorp
Classification: Uncertain significance for EGFR-related lung cancer. Last evaluated: 2025-04-10. Review status: criteria provided, single submitter. Criteria: Invitae Variant Classification Sherloc (09022015). Collection method: clinical testing. Allele origin: germline.
Comment: This sequence change replaces arginine, which is basic and polar, with cysteine, which is neutral and slightly polar, at codon 222 of the EGFR protein (p.Arg222Cys). This variant is not present in population databases (gnomAD no frequency). This variant has not been reported in the literature in individuals affected with EGFR-related conditions. ClinVar contains an entry for this variant (Variation ID: 1000203). Invitae Evidence Modeling of protein sequence and biophysical properties (such as structural, functional, and spatial information, amino acid conservation, physicochemical variation, residue mobility, and thermodynamic stability) indicates that this missense variant is not expected to disrupt EGFR protein function with a negative predictive value of 80%. Experimental studies have shown that this missense change affects EGFR function (PMID: 31290142). In summary, the available evidence is currently insufficient to determine the role of this variant in disease. Therefore, it has been classified as a Variant of Uncertain Significance.

Institute for Genomic Medicine (IGM) Clinical Laboratory, Nationwide Children's Hospital
Classification: Tier I - Strong for Diffuse pediatric-type high-grade glioma, H3-wildtype and IDH-wildtype. Assertion type: diagnostic. Clinical significance: supports diagnosis. Last evaluated: 2023-09-22. Review status: criteria provided, single submitter. Criteria: AMP/ASCO/CAP Guidelines, 2017. Collection method: clinical testing. Allele origin: somatic. Affected: yes.
Comment: Variant has Tier I (strong) clinical significance as a diagnostic inclusion criterion in diffuse pediatric-type high-grade glioma, H3-wildtype and IDH-wildtype, based on the following evidence: 1) Documented in one or more cancer databases (e.g., St. Jude Pecan, COSMIC, CIViC, OncoKB). 2) Appears in one or more well-established professional guidelines (e.g., World Health Organization [WHO]; National Comprehensive Cancer Network [NCCN]) as providing diagnostic, prognostic, or therapeutic information. 3) Information in the literature supports potential biologic effect of variant (PMID: 29533785). 4) Diagnostic for a specific tumor type/classification based on well-powered studies with expert-level consensus (Evidence Level B; PMIDs: 28966033, 24705251, 29763623, 28912153, 35332262).

Literature cited by the submitters: PubMed 31290142 (cited by Labcorp Genetics (formerly Invitae), Labcorp); PubMed 29533785 (cited by Institute for Genomic Medicine (IGM) Clinical Laboratory, Nationwide Children's Hospital); PubMed 28966033 (cited by Institute for Genomic Medicine (IGM) Clinical Laboratory, Nationwide Children's Hospital); PubMed 24705251 (cited by Institute for Genomic Medicine (IGM) Clinical Laboratory, Nationwide Children's Hospital); PubMed 29763623 (cited by Institute for Genomic Medicine (IGM) Clinical Laboratory, Nationwide Children's Hospital); PubMed 28912153 (cited by Institute for Genomic Medicine (IGM) Clinical Laboratory, Nationwide Children's Hospital); PubMed 35332262 (cited by Institute for Genomic Medicine (IGM) Clinical Laboratory, Nationwide Children's Hospital).

NM_005228.5(EGFR):c.664C>T (p.Arg222Cys)

Gene: EGFR (epidermal growth factor receptor; plus strand). Cytogenetic location: 7p11.2.
Variant type: single nucleotide variant.
Coding change: c.664C>T on transcript NM_005228.5 (MANE Select); coding-DNA position 664, C replaced by T.
Protein change: p.Arg222Cys; replaces arginine 222 with cysteine.
Molecular consequence: missense variant. On other transcripts: intron variant (1).
Genome position (GRCh38, 1-based): chr7:55,152,581, C>T. VCF-style: chr7-55152581-C-T. GRCh37 (hg19) VCF-style: chr7-55220274-C-T.
Other names: c.529C>T, p.Arg177Cys (NM_001346897.2, NM_001346899.2); c.664C>T, p.Arg222Cys (NM_001346898.2, NM_201282.2, NM_201283.2 and 1 more transcripts); c.505C>T, p.Arg169Cys (NM_001346900.2); c.89-3249C>T (NM_001346941.2); short protein forms R169C, R177C, R222C.
Identifiers: ClinVar variation 1000203 (VCV001000203.9), dbSNP rs1785212573, ClinGen allele CA367577392.